The following is an entry in ClinVar:

ClinVar aggregate classification (germline): Pathogenic (1 of 4 stars; one submission).

Conditions:
USH2A-related disorder. Also called: USH2A-related condition; USH2A-related disorders. Identifiers: MedGen CN239332.

Submission:

Myriad Genetics, Inc.
Classification: Pathogenic for USH2A-related disorder. Last evaluated: 2024-11-11. Review status: criteria provided, single submitter. Criteria: Myriad Autosomal Dominant, Autosomal Recessive and X-Linked Classification Criteria (2023). Collection method: clinical testing. Allele origin: unknown.
Comment: NM_206933.2(USH2A):c.2724dupA(P909Tfs*6) is expected to be pathogenic in the context of USH2A-related disorders. This variant is predicted to lead to an abnormal or absent protein product due to the creation of a premature termination codon in USH2A, a gene where loss-of-function variants are known to be pathogenic. Please note: this variant was assessed in the context of healthy population screening.

NM_206933.4(USH2A):c.2724dup (p.Pro909fs)

Genes: USH2A (usherin; minus strand), LOC122152296 (Sharpr-MPRA regulatory region 8762; plus strand). Cytogenetic location: 1q41.
Variant type: Duplication.
Coding change: c.2724dup on transcript NM_206933.4 (MANE Select); coding-DNA position 2724, one base duplicated (A; older notation c.2724dupA).
Protein change: p.Pro909fs; shifts the reading frame from proline 909.
Molecular consequence: frameshift variant.
Genome position (GRCh38, 1-based): chr1:216,246,670, T duplicated on the plus strand (A on the coding strand, the reverse complement: USH2A is on the minus strand). VCF-style (leftmost placement, unchanged base first): chr1-216246669-G-GT. GRCh37 (hg19) VCF-style: chr1-216420011-G-GT.
Other names: c.2724dup, p.Pro909fs (NM_007123.6); short protein forms P909fs.
Identifiers: ClinVar variation 5013736 (VCV005013736.1).
Genomic context (GRCh38, chr1:216,246,669, plus strand): 5'-TTCCTTGACGATTAGGCACACACAGGCACTGGCCACTGATTGGGTCACAAATGGTCCCAG[G>GT]TAATGTCCCCAAGGAATCACACTCACACATCTGGCAGTGTTGAAAATTGTCAATGGTCAA-3'